The following is an entry in ClinVar:

ClinVar aggregate classification (germline): Uncertain significance. Review status: criteria provided, multiple submitters, no conflicts (2 of 4 stars). 2 submissions from 2 submitters: Uncertain significance (2). Last evaluated 2024-03-19.

Conditions:
Hereditary nonpolyposis colorectal neoplasms. Identifiers: MedGen C0009405, MeSH D003123.
Hereditary cancer-predisposing syndrome. Also called: Tumor predisposition; Hereditary Cancer Syndrome; Hereditary neoplastic syndrome; Neoplastic Syndromes, Hereditary. Identifiers: Orphanet 140162, MedGen C0027672, MeSH D009386, MONDO:0015356.

Submissions (2):

Ambry Genetics
Classification: Uncertain significance for Hereditary cancer-predisposing syndrome. Last evaluated: 2024-03-19. Review status: criteria provided, single submitter. Criteria: Ambry Variant Classification Scheme 2023. Collection method: clinical testing. Allele origin: germline.
Comment: The p.R3P variant (also known as c.8G>C), located in coding exon 1 of the MSH6 gene, results from a G to C substitution at nucleotide position 8. The arginine at codon 3 is replaced by proline, an amino acid with dissimilar properties. This amino acid position is well conserved in available vertebrate species. In addition, the in silico prediction for this alteration is inconclusive. Based on the available evidence, the clinical significance of this alteration remains unclear.

Labcorp Genetics (formerly Invitae), Labcorp
Classification: Uncertain significance for Hereditary nonpolyposis colorectal neoplasms. Last evaluated: 2023-12-17. Review status: criteria provided, single submitter. Criteria: Invitae Variant Classification Sherloc (09022015). Collection method: clinical testing. Allele origin: germline.
Comment: This sequence change replaces arginine, which is basic and polar, with proline, which is neutral and non-polar, at codon 3 of the MSH6 protein (p.Arg3Pro). This variant is not present in population databases (gnomAD no frequency). This variant has not been reported in the literature in individuals affected with MSH6-related conditions. ClinVar contains an entry for this variant (Variation ID: 486895). Advanced modeling of protein sequence and biophysical properties (such as structural, functional, and spatial information, amino acid conservation, physicochemical variation, residue mobility, and thermodynamic stability) performed at Invitae indicates that this missense variant is not expected to disrupt MSH6 protein function with a negative predictive value of 95%. In summary, the available evidence is currently insufficient to determine the role of this variant in disease. Therefore, it has been classified as a Variant of Uncertain Significance.

NM_000179.3(MSH6):c.8G>C (p.Arg3Pro)

Gene: MSH6 (mutS homolog 6; plus strand). Cytogenetic location: 2p16.3.
Variant type: single nucleotide variant.
Coding change: c.8G>C on transcript NM_000179.3 (MANE Select); coding-DNA position 8, G replaced by C.
Protein change: p.Arg3Pro; replaces arginine 3 with proline.
Molecular consequence: missense variant. On other transcripts: 5 prime UTR variant (1).
Genome position (GRCh38, 1-based): chr2:47,783,241, G>C. VCF-style: chr2-47783241-G-C. GRCh37 (hg19) VCF-style: chr2-48010380-G-C.
Other names: c.8G>C, p.Arg3Pro (NM_001281492.2); c.-729G>C (NM_001281493.2); short protein forms R3P.
Identifiers: ClinVar variation 486895 (VCV000486895.9), dbSNP rs1553408078, ClinGen allele CA346734472.